The following is an entry in ClinVar:

NM_006218.4(PIK3CA):c.2164_2166del (p.Glu722del)

Gene: PIK3CA (phosphatidylinositol-4,5-bisphosphate 3-kinase catalytic subunit alpha; plus strand). Cytogenetic location: 3q26.32.
Variant type: Deletion.
Coding change: c.2164_2166del on transcript NM_006218.4 (MANE Select); coding-DNA positions 2164 to 2166, 3 bases deleted (GAG; older notation c.2164_2166delGAG).
Protein change: p.Glu722del; deletes glutamic acid 722.
Molecular consequence: inframe deletion.
Genome position (GRCh38, 1-based): chr3:179,221,134-179,221,136, GAG deleted; deleting any 3 consecutive bases within chr3:179,221,132-179,221,136 gives the same sequence; the c. name uses the placement nearest the transcript's 3' end. VCF-style (leftmost placement, unchanged base first): chr3-179221131-CAGG-C. GRCh37 (hg19) VCF-style: chr3-178938919-CAGG-C.
Other names: short protein forms E722del.
Identifiers: ClinVar variation 2004077 (VCV002004077.4), dbSNP rs1724956049, ClinGen allele CA1423661306.

ClinVar aggregate classification (germline): Uncertain significance (1 of 4 stars; one submission).

Conditions:
Cowden syndrome (CS). Also called: Cowden's disease; Cowden's syndrome; Cowden disease. Identifiers: Orphanet 201, MedGen C0018553, MONDO:0016063. Disease mechanism: gain of function.

Submission:

Labcorp Genetics (formerly Invitae), Labcorp
Classification: Uncertain significance for Cowden syndrome. Last evaluated: 2022-06-09. Review status: criteria provided, single submitter. Criteria: Invitae Variant Classification Sherloc (09022015). Collection method: clinical testing. Allele origin: germline.
Comment: In summary, the available evidence is currently insufficient to determine the role of this variant in disease. Therefore, it has been classified as a Variant of Uncertain Significance. Experimental studies and prediction algorithms are not available or were not evaluated, and the functional significance of this variant is currently unknown. This variant has not been reported in the literature in individuals affected with PIK3CA-related conditions. This variant is not present in population databases (gnomAD no frequency). This variant, c.2164_2166del, results in the deletion of 1 amino acid(s) of the PIK3CA protein (p.Glu722del), but otherwise preserves the integrity of the reading frame.